The following is an entry in ClinVar:

ClinVar aggregate classification (germline): Uncertain significance (1 of 4 stars; one submission).

Conditions:
Inborn genetic diseases. Identifiers: MedGen C0950123, MeSH D030342.

Submission:

Ambry Genetics
Classification: Uncertain significance for Inborn genetic diseases. Last evaluated: 2025-05-31. Review status: criteria provided, single submitter. Criteria: Ambry Variant Classification Scheme 2023. Collection method: clinical testing. Allele origin: germline.
Comment: The p.V83A variant (also known as c.248T>C), located in coding exon 3 of the ELANE gene, results from a T to C substitution at nucleotide position 248. The valine at codon 83 is replaced by alanine, an amino acid with similar properties. This amino acid position is conserved. In addition, the in silico prediction for this alteration is inconclusive. Based on the available evidence, the clinical significance of this variant remains unclear.

NM_001972.4(ELANE):c.248T>C (p.Val83Ala)

Gene: ELANE (elastase, neutrophil expressed; plus strand). Cytogenetic location: 19p13.3.
Variant type: single nucleotide variant.
Coding change: c.248T>C on transcript NM_001972.4 (MANE Select); coding-DNA position 248, T replaced by C.
Protein change: p.Val83Ala; replaces valine 83 with alanine.
Molecular consequence: missense variant.
Genome position (GRCh38, 1-based): chr19:853,285, T>C. VCF-style: chr19-853285-T-C. GRCh37 (hg19) VCF-style: chr19-853285-T-C.
Other names: short protein forms V83A.
Identifiers: ClinVar variation 4017408 (VCV004017408.1).